The following is an entry in ClinVar:

NM_005876.5(SPEG):c.6680A>G (p.Lys2227Arg)

Genes: ASIC4-AS1 (ASIC4 antisense RNA 1; minus strand), SPEG (striated muscle enriched protein kinase; plus strand). Cytogenetic location: 2q35.
Variant type: single nucleotide variant.
Coding change: c.6680A>G on transcript NM_005876.5 (MANE Select); coding-DNA position 6680, A replaced by G.
Protein change: p.Lys2227Arg; replaces lysine 2227 with arginine.
Molecular consequence: missense variant.
Genome position (GRCh38, 1-based): chr2:219,484,143, A>G. VCF-style: chr2-219484143-A-G. GRCh37 (hg19) VCF-style: chr2-220348865-A-G.
Other names: short protein forms K2227R.
Identifiers: ClinVar variation 1469802 (VCV001469802.8), dbSNP rs2125557588, ClinGen allele CA350698896.

ClinVar aggregate classification (germline): Uncertain significance (1 of 4 stars; one submission).

Submission:

Labcorp Genetics (formerly Invitae), Labcorp
Classification: Uncertain significance. Last evaluated: 2022-08-15. Review status: criteria provided, single submitter. Criteria: Invitae Variant Classification Sherloc (09022015). Collection method: clinical testing. Allele origin: germline.
Comment: This sequence change replaces lysine, which is basic and polar, with arginine, which is basic and polar, at codon 2227 of the SPEG protein (p.Lys2227Arg). This variant is not present in population databases (gnomAD no frequency). In summary, the available evidence is currently insufficient to determine the role of this variant in disease. Therefore, it has been classified as a Variant of Uncertain Significance. Algorithms developed to predict the effect of missense changes on protein structure and function output the following: SIFT: "Tolerated"; PolyPhen-2: "Benign"; Align-GVGD: "Class C0". The arginine amino acid residue is found in multiple mammalian species, which suggests that this missense change does not adversely affect protein function. ClinVar contains an entry for this variant (Variation ID: 1469802). This variant has not been reported in the literature in individuals affected with SPEG-related conditions.